The following is an entry in ClinVar:

ClinVar aggregate classification (germline): Conflicting classifications of pathogenicity. Review status: criteria provided, conflicting classifications (1 of 4 stars). 5 submissions from 5 submitters: Uncertain significance (2); Likely benign (1). 2 of the submissions do not count toward it. Last evaluated 2024-11-28.

Allele frequency attached by ClinVar (database versions not stated): 1000 Genomes Project 0.00140; ESP Exome Variant Server 0.00146; 1000 Genomes Project 30x 0.00172; TOPMed 0.00180; gnomAD 0.00211 and 0.00218; gnomAD exomes 0.00237 and 0.00263; ExAC 0.00267.
gnomAD v4.1: 4,163 of 1,614,128 alleles (0.26%); highest among the groups gnomAD compares: Middle Eastern, 0.38%; 13 homozygotes.

Submissions (5):

Blueprint Genetics
Classification: Uncertain significance. Last evaluated: 2024-11-28. Review status: criteria provided, single submitter. Criteria: ACMG Guidelines, 2015. Collection method: clinical testing. Allele origin: germline.

CeGaT Center for Human Genetics Tuebingen
Classification: Likely benign. Last evaluated: 2024-07-01. Review status: criteria provided, single submitter. Criteria: CeGaT Center For Human Genetics Tuebingen Variant Classification Criteria Version 2. Collection method: clinical testing. Allele origin: germline. Affected: yes. Observed: 1 variant allele.
Comment: FAAP24: BP4

Breakthrough Genomics
Classification: Uncertain significance. Review status: criteria provided, single submitter. Criteria: ACMG Guidelines, 2015. Collection method: not provided. Allele origin: germline. Inheritance: Autosomal dominant inheritance. Affected: yes.

Clinical Genetics DNA and cytogenetics Diagnostics Lab, Erasmus MC, Erasmus Medical Center
Classification: Uncertain significance. Review status: no assertion criteria provided. Collection method: clinical testing. Allele origin: germline. Affected: yes. Study: VKGL Data-share Consensus. Not counted in ClinVar's aggregate classification.

Diagnostic Laboratory, Department of Genetics, University Medical Center Groningen
Classification: Uncertain significance. Review status: no assertion criteria provided. Collection method: clinical testing. Allele origin: germline. Affected: yes. Study: VKGL Data-share Consensus. Not counted in ClinVar's aggregate classification.

NM_152266.5(FAAP24):c.635C>T (p.Thr212Met)

Gene: FAAP24 (FA core complex associated protein 24; plus strand). Cytogenetic location: 19q13.11.
Variant type: single nucleotide variant.
Coding change: c.635C>T on transcript NM_152266.5 (MANE Select); coding-DNA position 635, C replaced by T.
Protein change: p.Thr212Met; replaces threonine 212 with methionine.
Molecular consequence: missense variant.
Genome position (GRCh38, 1-based): chr19:32,976,669, C>T. VCF-style: chr19-32976669-C-T. GRCh37 (hg19) VCF-style: chr19-33467575-C-T.
Other names: c.350C>T, p.Thr117Met (NM_001300978.2); short protein forms T117M, T212M.
Identifiers: ClinVar variation 1299292 (VCV001299292.20), dbSNP rs148106526, ClinGen allele CA9360189.
Genomic context (GRCh38, chr19:32,976,669, plus strand): 5'-TTGGGGAACTGGAGCAGGTGGTCGGACAAGCAGTGGCACAGCAGATCCATGCCTTCTTCA[C>T]GCAGCCCAGGTGAGGGCTGGCCTCAGGGCCACGGCATCTTCTCCTGAGACCACAAACACC-3'
Protein context (NP_689479.1, residues 202-215): AVAQQIHAFF[Thr212Met]QPR